The following is an entry in ClinVar:

ClinVar aggregate classification (germline): Uncertain significance. Review status: criteria provided, multiple submitters, no conflicts (2 of 4 stars). 2 submissions from 2 submitters: Uncertain significance (2). Last evaluated 2025-04-29.

Conditions:
Kabuki syndrome 1 (KABUK1). Also called: KMT2D-Related Kabuki Syndrome. Identifiers: Orphanet 2322, MedGen CN030661, MONDO:0007843, OMIM 147920.
Choanal atresia-athelia-hypothyroidism-delayed puberty-short stature syndrome (BCAHH). Also called: BRANCHIAL ARCH ABNORMALITIES, CHOANAL ATRESIA, ATHELIA, HEARING LOSS, AND HYPOTHYROIDISM SYNDROME. Identifiers: Orphanet 589856, MedGen C5680310, MONDO:0035651, OMIM 620186.
KMT2D-related disorder. Also called: KMT2D-Related Disorders.

Submissions (2):

PreventionGenetics, part of Exact Sciences
Classification: Uncertain significance for KMT2D-related condition. Last evaluated: 2025-04-29. Review status: criteria provided, single submitter. Criteria: ACMG Guidelines, 2015. Collection method: clinical testing. Allele origin: germline.
Comment: The KMT2D c.4769T>C variant is predicted to result in the amino acid substitution p.Val1590Ala. To our knowledge, this variant has not been reported in the literature or in a large population database (gnomAD), indicating this variant is rare. At this time, the clinical significance of this variant is uncertain due to the absence of conclusive functional and genetic evidence.

Fulgent Genetics
Classification: Uncertain significance for Kabuki syndrome 1; Choanal atresia-athelia-hypothyroidism-delayed puberty-short stature syndrome. Last evaluated: 2024-04-28. Review status: criteria provided, single submitter. Criteria: ACMG Guidelines, 2015. Collection method: clinical testing. Allele origin: germline.

NM_003482.4(KMT2D):c.4769T>C (p.Val1590Ala)

Gene: KMT2D (lysine methyltransferase 2D; minus strand). Cytogenetic location: 12q13.12.
Variant type: single nucleotide variant.
Coding change: c.4769T>C on transcript NM_003482.4 (MANE Select); coding-DNA position 4769, T replaced by C.
Protein change: p.Val1590Ala; replaces valine 1590 with alanine.
Molecular consequence: missense variant.
Genome position (GRCh38, 1-based): chr12:49,044,938, A>G on the plus strand (T>C on the coding strand, the complement: KMT2D is on the minus strand). VCF-style: chr12-49044938-A-G. GRCh37 (hg19) VCF-style: chr12-49438721-A-G.
Other names: short protein forms V1590A.
Identifiers: ClinVar variation 3574811 (VCV003574811.2).
Genomic context (GRCh38, chr12:49,044,938, plus strand): 5'-TTGTGCAGTGGTGACATGGTCAGGTTACGCAGCAAGGCCATGCCAGTTTCTGTCAGCCAC[A>G]CACCTTCGAAGCGAAAGTACTGGGGCTCTGCATAAGAGGAAAGAGTATGTGATCCCTGGA-3'
Protein context (NP_003473.3, residues 1580-1600): PEPQYFRFEG[Val1590Ala]WLTETGMALL